The following is an entry in ClinVar:

ClinVar aggregate classification (germline): Likely benign (1 of 4 stars; one submission).

Allele frequency attached by ClinVar (database versions not stated): gnomAD exomes 0.00001.
gnomAD v4.1: 10 of 1,613,956 alleles (0.00062%); highest among the groups gnomAD compares: Non-Finnish European, 0.00085%; no homozygotes.

Submission:

GeneDx
Classification: Likely benign. Last evaluated: 2013-02-21. Review status: criteria provided, single submitter. Criteria: GeneDx Variant Classification (06012015). Collection method: clinical testing. Allele origin: germline. Affected: yes.
Comment: This variant is considered likely benign or benign based on one or more of the following criteria: it is a conservative change, it occurs at a poorly conserved position in the protein, it is predicted to be benign by multiple in silico algorithms, and/or has population frequency not consistent with disease.

NM_003242.6(TGFBR2):c.437A>G (p.Asn146Ser)

Gene: TGFBR2 (transforming growth factor beta receptor 2; plus strand). Cytogenetic location: 3p24.1.
Variant type: single nucleotide variant.
Coding change: c.437A>G on transcript NM_003242.6 (MANE Select); coding-DNA position 437, A replaced by G.
Protein change: p.Asn146Ser; replaces asparagine 146 with serine.
Molecular consequence: missense variant.
Genome position (GRCh38, 1-based): chr3:30,650,443, A>G. VCF-style: chr3-30650443-A-G. GRCh37 (hg19) VCF-style: chr3-30691935-A-G.
Other names: p.N146S:AAC>AGC; c.512A>G, p.Asn171Ser (NM_001024847.3, NM_001407126.1, NM_001407139.1); c.437A>G, p.Asn146Ser (NM_001407127.1, NM_001407130.1); c.464A>G, p.Asn155Ser (NM_001407128.1); c.332A>G, p.Asn111Ser (NM_001407129.1, NM_001407132.1, NM_001407133.1 and 3 more transcripts); short protein forms N146S, N171S, N111S, N155S.
Identifiers: ClinVar variation 213905 (VCV000213905.2), dbSNP rs863223836, ClinGen allele CA321058.
Genomic context (GRCh38, chr3:30,650,443, plus strand): 5'-AAAAAAAGCCTGGTGAGACTTTCTTCATGTGTTCCTGTAGCTCTGATGAGTGCAATGACA[A>G]CATCATCTTCTCAGAAGGTGAGTTTTCTTCTCTTAAGGGTGTGGGACCTGAGATCTGTGC-3'
Protein context (NP_003233.4, residues 136-156): CSCSSDECND[Asn146Ser]IIFSEEYNTS